The following is an entry in ClinVar:

NM_176787.5(PIGN):c.1646_1647insTTCTGTT (p.Leu549fs)

Gene: PIGN (phosphatidylinositol glycan anchor biosynthesis class N; minus strand). Cytogenetic location: 18q21.33.
Variant type: Insertion.
Coding change: c.1646_1647insTTCTGTT on transcript NM_176787.5 (MANE Select); coding-DNA positions 1646 to 1647, TTCTGTT inserted.
Protein change: p.Leu549fs; shifts the reading frame from leucine 549.
Molecular consequence: frameshift variant.
Genome position: GRCh38 VCF-style: chr18-62107013-T-TAACAGAA. GRCh37 (hg19) VCF-style: chr18-59774246-T-TAACAGAA.
Other names: c.1646_1647insTTCTGTT, p.Leu549fs (NM_012327.6); short protein forms L549fs.
Identifiers: ClinVar variation 2817348 (VCV002817348.3), dbSNP rs2512964452, ClinGen allele CA2739276291.

ClinVar aggregate classification (germline): Pathogenic (1 of 4 stars; one submission).

Conditions:
Multiple congenital anomalies-hypotonia-seizures syndrome 1 (MCAHS1). Also called: GLYCOSYLPHOSPHATIDYLINOSITOL BIOSYNTHESIS DEFECT 3; PIGN-CDG; Congenital disorder of glycosylation due to PIGN deficiency. Identifiers: Orphanet 280633, MedGen C3279775, MONDO:0013563, OMIM 614080.

Submission:

Labcorp Genetics (formerly Invitae), Labcorp
Classification: Pathogenic for Multiple congenital anomalies-hypotonia-seizures syndrome 1. Last evaluated: 2022-11-29. Review status: criteria provided, single submitter. Criteria: Invitae Variant Classification Sherloc (09022015). Collection method: clinical testing. Allele origin: germline.
Comment: This variant is not present in population databases (gnomAD no frequency). This sequence change creates a premature translational stop signal (p.Leu549Phefs*10) in the PIGN gene. It is expected to result in an absent or disrupted protein product. Loss-of-function variants in PIGN are known to be pathogenic (PMID: 24253414, 27038415). This variant has not been reported in the literature in individuals affected with PIGN-related conditions. For these reasons, this variant has been classified as Pathogenic. Algorithms developed to predict the effect of sequence changes on RNA splicing suggest that this variant may disrupt the consensus splice site.

Literature cited by the submitters: PubMed 24253414; PubMed 27038415.